The following is an entry in ClinVar:

NM_024301.5(FKRP):c.1440C>T (p.Asn480=)

Gene: FKRP (fukutin related protein; plus strand). Cytogenetic location: 19q13.32.
Variant type: single nucleotide variant.
Coding change: c.1440C>T on transcript NM_024301.5 (MANE Select); coding-DNA position 1440, C replaced by T.
Protein change: p.Asn480=; no amino-acid change (asparagine 480 retained).
Molecular consequence: synonymous variant.
Genome position (GRCh38, 1-based): chr19:46,756,890, C>T. VCF-style: chr19-46756890-C-T. GRCh37 (hg19) VCF-style: chr19-47260147-C-T.
Other names: p.Asn480=; c.1440C>T, p.Asn480= (NM_001039885.3).
Identifiers: ClinVar variation 96106 (VCV000096106.52), dbSNP rs115365212, ClinGen allele CA149244.

ClinVar aggregate classification (germline): Benign/Likely benign. Review status: criteria provided, multiple submitters, no conflicts (2 of 4 stars). 11 submissions from 11 submitters: Benign (3); Likely benign (6). 2 of the submissions do not count toward it. Last evaluated 2026-01-26.

Conditions:
Cardiovascular phenotype. Identifiers: MedGen CN230736.
Walker-Warburg congenital muscular dystrophy. Also called: Muscular dystrophy-dystroglycanopathy, type A; Walker-Warburg syndrome. Identifiers: Orphanet 899, MedGen C0265221, MONDO:0000171.

Allele frequency attached by ClinVar (database versions not stated): gnomAD exomes 0.00053; ExAC 0.00067; ESP Exome Variant Server 0.00185; gnomAD 0.00198 and 0.00213; 1000 Genomes Project 0.00200; TOPMed 0.00209; 1000 Genomes Project 30x 0.00234.

Submissions (11):

Labcorp Genetics (formerly Invitae), Labcorp
Classification: Benign for Walker-Warburg congenital muscular dystrophy. Last evaluated: 2026-01-26. Review status: criteria provided, single submitter. Criteria: Invitae Variant Classification Sherloc (09022015). Collection method: clinical testing. Allele origin: germline.

Mayo Clinic Laboratories, Mayo Clinic
Classification: Likely benign. Last evaluated: 2025-10-19. Review status: criteria provided, single submitter. Criteria: ACMG Guidelines, 2015. Collection method: clinical testing. Allele origin: germline. Observed: 5 variant alleles.
Comment: BS1, BP4, BP7

Molecular Diagnostic Laboratory for Inherited Cardiovascular Disease, Montreal Heart Institute
Classification: Benign. Last evaluated: 2025-04-09. Review status: criteria provided, single submitter. Criteria: ACMG Guidelines, 2015. Collection method: clinical testing. Allele origin: germline. Affected: no.
Comment: BS1;BP6;BP7

Blueprint Genetics
Classification: Likely benign. Last evaluated: 2024-07-30. Review status: criteria provided, single submitter. Criteria: ACMG Guidelines, 2015. Collection method: clinical testing. Allele origin: germline.

CeGaT Center for Human Genetics Tuebingen
Classification: Likely benign. Last evaluated: 2023-03-01. Review status: criteria provided, single submitter. Criteria: CeGaT Center For Human Genetics Tuebingen Variant Classification Criteria Version 2. Collection method: clinical testing. Allele origin: germline. Affected: yes. Observed: 1 variant allele.
Comment: FKRP: BP4, BP7

GeneDx
Classification: Likely benign. Last evaluated: 2020-09-10. Review status: criteria provided, single submitter. Criteria: GeneDx Variant Classification Process June 2021. Collection method: clinical testing. Allele origin: germline. Affected: yes.
Comment: This variant is associated with the following publications: (PMID: 27439679)

Ambry Genetics
Classification: Likely benign for Cardiovascular phenotype. Last evaluated: 2019-01-08. Review status: criteria provided, single submitter. Criteria: Ambry Variant Classification Scheme 2023. Collection method: clinical testing. Allele origin: germline.

Genetic Services Laboratory, University of Chicago
Classification: Likely benign. Last evaluated: 2016-10-10. Review status: criteria provided, single submitter. Criteria: ACMG Guidelines, 2015. Collection method: clinical testing. Allele origin: germline. Affected: no.

Eurofins Ntd Llc (ga)
Classification: Benign. Last evaluated: 2012-11-15. Review status: criteria provided, single submitter. Criteria: EGL Classification Definitions 2015. Collection method: clinical testing. Allele origin: germline. Observed: 2 variant alleles, 1 heterozygote, 1 homozygote.

Clinical Genetics DNA and cytogenetics Diagnostics Lab, Erasmus MC, Erasmus Medical Center
Classification: Likely benign. Review status: no assertion criteria provided. Collection method: clinical testing. Allele origin: germline. Affected: yes. Study: VKGL Data-share Consensus. Not counted in ClinVar's aggregate classification.

Clinical Genetics, Academic Medical Center
Classification: Benign. Review status: no assertion criteria provided. Collection method: clinical testing. Allele origin: germline. Affected: yes. Study: VKGL Data-share Consensus. Not counted in ClinVar's aggregate classification.

Literature cited by the submitters: PubMed 27439679 (cited by Mayo Clinic Laboratories, Mayo Clinic).